The following is an entry in ClinVar:

NM_024809.5(TCTN2):c.1781T>C (p.Val594Ala)

Gene: TCTN2 (tectonic family member 2; plus strand). Cytogenetic location: 12q24.31.
Variant type: single nucleotide variant.
Coding change: c.1781T>C on transcript NM_024809.5 (MANE Select); coding-DNA position 1781, T replaced by C.
Protein change: p.Val594Ala; replaces valine 594 with alanine.
Molecular consequence: missense variant.
Genome position (GRCh38, 1-based): chr12:123,706,737, T>C. VCF-style: chr12-123706737-T-C. GRCh37 (hg19) VCF-style: chr12-124191284-T-C.
Other names: c.1778T>C, p.Val593Ala (NM_001143850.3); c.1646T>C, p.Val549Ala (NM_001410989.1); c.1781T>C (NM_024809.3); short protein forms V593A, V549A, V594A.
Identifiers: ClinVar variation 1976858 (VCV001976858.4), dbSNP rs751967472, ClinGen allele CA6861348.

ClinVar aggregate classification (germline): Uncertain significance. Review status: criteria provided, multiple submitters, no conflicts (2 of 4 stars). 2 submissions from 2 submitters: Uncertain significance (2). Last evaluated 2025-04-09.

Conditions:
Inborn genetic diseases. Identifiers: MedGen C0950123, MeSH D030342.
Joubert syndrome. Also called: CEREBELLOPARENCHYMAL DISORDER IV; JOUBERT-BOLTSHAUSER SYNDROME; Familial aplasia of the vermis. Identifiers: Orphanet 475, MedGen C5979921, MONDO:0018772.
Meckel-Gruber syndrome. Also called: DYSENCEPHALIA SPLANCHNOCYSTICA; GRUBER SYNDROME; Dysencephalia splachnocystica. Identifiers: Orphanet 564, MedGen C0265215, MONDO:0018921.

Allele frequency attached by ClinVar (database versions not stated): gnomAD 0.00001; TOPMed 0.00001; ExAC 0.00002; gnomAD exomes 0.00004.
gnomAD v4.1: 51 of 1,614,044 alleles (0.0032%); highest among the groups gnomAD compares: Non-Finnish European, 0.0043%; no homozygotes.

Submissions (2):

Ambry Genetics
Classification: Uncertain significance for Inborn genetic diseases. Last evaluated: 2025-04-09. Review status: criteria provided, single submitter. Criteria: Ambry Variant Classification Scheme 2023. Collection method: clinical testing. Allele origin: germline.

Labcorp Genetics (formerly Invitae), Labcorp
Classification: Uncertain significance for Joubert syndrome; Meckel-Gruber syndrome. Last evaluated: 2023-10-29. Review status: criteria provided, single submitter. Criteria: Invitae Variant Classification Sherloc (09022015). Collection method: clinical testing. Allele origin: germline.
Comment: This sequence change replaces valine, which is neutral and non-polar, with alanine, which is neutral and non-polar, at codon 594 of the TCTN2 protein (p.Val594Ala). This variant is present in population databases (rs751967472, gnomAD 0.002%). This variant has not been reported in the literature in individuals affected with TCTN2-related conditions. ClinVar contains an entry for this variant (Variation ID: 1976858). Advanced modeling of protein sequence and biophysical properties (such as structural, functional, and spatial information, amino acid conservation, physicochemical variation, residue mobility, and thermodynamic stability) performed at Invitae indicates that this missense variant is not expected to disrupt TCTN2 protein function with a negative predictive value of 80%. In summary, the available evidence is currently insufficient to determine the role of this variant in disease. Therefore, it has been classified as a Variant of Uncertain Significance.